The following is an entry in ClinVar:

NM_153700.2(STRC):c.4796_4800del (p.Cys1599fs)

Gene: STRC (stereocilin; minus strand). Cytogenetic location: 15q15.3.
Variant type: Deletion.
Coding change: c.4796_4800del on transcript NM_153700.2 (MANE Select); coding-DNA positions 4796 to 4800, 5 bases deleted (GTGGA; older notation c.4796_4800delGTGGA).
Protein change: p.Cys1599fs; shifts the reading frame from cysteine 1599.
Molecular consequence: frameshift variant.
Genome position (GRCh38, 1-based): chr15:43,600,916-43,600,920, TCCAC deleted on the plus strand (GTGGA on the coding strand, the reverse complement: STRC is on the minus strand). VCF-style (leftmost placement, unchanged base first): chr15-43600915-GTCCAC-G. GRCh37 (hg19) VCF-style: chr15-43893113-GTCCAC-G.
Other names: c.4796_4800delGTGGA (NM_153700.2); short protein forms C1599fs.
Identifiers: ClinVar variation 165302 (VCV000165302.6), dbSNP rs727503442, ClinGen allele CA273232.
Genomic context (GRCh38, chr15:43,600,915, plus strand): 5'-GCCCCTTCACAAATGACCTGAACTCCCAACTGCTGATGTGCTGGAGCTCCTCTGGCCGCA[GTCCAC>G]AGAGAGTATAACCCAGCGCTGTCAGATGAACGAAGTCCAGGTGGCTCACATGCCGACCAC-3'

ClinVar aggregate classification (germline): Pathogenic. Review status: criteria provided, multiple submitters, no conflicts (2 of 4 stars). 2 submissions from 2 submitters: Pathogenic (2). Last evaluated 2023-02-28.

Conditions:
Autosomal recessive nonsyndromic hearing loss 16. Also called: DFNB16 Nonsyndromic Hearing Loss and Deafness; DEAFNESS, AUTOSOMAL RECESSIVE 16. Identifiers: Orphanet 90636, MedGen C1863561, MONDO:0011364, OMIM 603720.
Rare genetic deafness. Identifiers: Orphanet 96210, MedGen C5680250.

Submissions (2):

Equipe Genetique des Anomalies du Developpement, Université de Bourgogne
Classification: Pathogenic for Autosomal recessive nonsyndromic hearing loss 16. Last evaluated: 2023-02-28. Review status: criteria provided, single submitter. Criteria: ACMG Guidelines, 2015. Collection method: clinical testing. Allele origin: maternal. Inheritance: Autosomal recessive inheritance. Affected: yes.
Comment: This variant was observed with a CNV

Laboratory for Molecular Medicine, Mass General Brigham Personalized Medicine
Classification: Pathogenic for Rare genetic deafness. Last evaluated: 2014-03-15. Review status: criteria provided, single submitter. Criteria: LMM Criteria. Collection method: clinical testing. Allele origin: germline. Inheritance: Autosomal recessive inheritance. Observed: 1 variant allele.
Comment: The Cys1599fs variant in STRC has not been previously reported in individuals wi th hearing loss and was absent from large population studies. This frameshift va riant is predicted to alter the protein?s amino acid sequence beginning at posit ion 1599 and lead to a premature termination codon 30 amino acids downstream. Th is alteration is then predicted to lead to a truncated or absent protein. In su mmary, this variant meets our criteria to be classified as pathogenic.